The following is an entry in ClinVar:

NM_000540.3(RYR1):c.14458G>T (p.Gly4820Trp)

Gene: RYR1 (ryanodine receptor 1; plus strand). Cytogenetic location: 19q13.2.
Variant type: single nucleotide variant.
Coding change: c.14458G>T on transcript NM_000540.3 (MANE Select); coding-DNA position 14458, G replaced by T.
Protein change: p.Gly4820Trp; replaces glycine 4820 with tryptophan.
Molecular consequence: missense variant.
Genome position (GRCh38, 1-based): chr19:38,580,075, G>T. VCF-style: chr19-38580075-G-T. GRCh37 (hg19) VCF-style: chr19-39070715-G-T.
Other names: c.14458G>T (NM_000540.2); c.14443G>T, p.Gly4815Trp (NM_001042723.2); short protein forms G4820W, G4815W.
Identifiers: ClinVar variation 133069 (VCV000133069.4), dbSNP rs193922873, ClinGen allele CA024145.
Genomic context (GRCh38, chr19:38,580,075, plus strand): 5'-TCCCTCTTGGGACACTACAACAACTTCTTCTTTGCTGCCCATCTCCTGGACATCGCCATG[G>T]GGGTCAAGACGCTGCGCACCATCCTGTCCTCTGTCACCCACAATGGGAAACAGGTGTGGG-3'
Protein context (NP_000531.2, residues 4810-4830): FAAHLLDIAM[Gly4820Trp]VKTLRTILSS

ClinVar aggregate classification (germline): Uncertain significance. Review status: reviewed by expert panel (3 of 4 stars). 2 submissions from 2 submitters: Uncertain significance (1). 1 of the submissions does not count toward it. Last evaluated 2025-08-01.

Conditions:
Malignant hyperthermia of anesthesia. Also called: Anesthesic-triggered malignant hyperthermia. Identifiers: Orphanet 423, MedGen C0024591, MONDO:0018493, HP:0034733.

Submissions (2):

ClinGen Malignant Hyperthermia Susceptibility Variant Curation Expert Panel, ClinGen
Classification: Uncertain significance for Malignant hyperthermia of anesthesia. Last evaluated: 2025-08-01. Review status: reviewed by expert panel. Criteria: ClinGen MHS ACMG Specifications V2. Collection method: curation. Allele origin: germline. Inheritance: Autosomal dominant inheritance.
Comment: This pathogenicity assessment is relevant only for malignant hyperthermia susceptibility (MHS) inherited in an autosomal dominant pattern. Variants in RYR1 can also cause other myopathies inherited in an autosomal dominant pattern or in an autosomal recessive pattern. Some of these disorders may predispose individuals to malignant hyperthermia. RYR1 variants may also contribute to a malignant hyperthermia reaction in combination with other genetic and non-genetic factors and the clinician needs to consider such factors in making management decisions. This sequence variant predicts a substitution of glycine with tryptophan at codon 4820 of the RYR1 protein, p.(Gly4820Trp). This variant was not present in a large population database (gnomAD) at the time this variant was interpreted. This variant has been reported in an individual with a personal or family history of an MH episode and a positive in vitro contracture test (IVCT) or caffeine halothane contracture test (CHCT) result (if the proband was unavailable for testing, a positive diagnostic test result in a mutation-positive relative was counted), PS4_Supporting (PMID: 30236257). No functional studies were identified for this variant. This variant resides in a region of RYR1 considered to be a hotspot for pathogenic variants that contribute to MHS, PM1_Sup (PMID: 21118704). A REVEL score >0.85 (.918) supports a pathogenic status for this variant, PP3_Moderate. This variant has been classified as a Variant of Unknown Significance. Criteria implemented: PS4_Supporting, PM1_Supporting, PP3_Moderate.

RYR1 database
No classification provided. Review status: no classification provided. Collection method: not provided. Allele origin: unknown. Not counted in ClinVar's aggregate classification.